The following is an entry in ClinVar:

ClinVar aggregate classification (germline): Likely benign (1 of 4 stars; one submission).

Submission:

CeGaT Center for Human Genetics Tuebingen
Classification: Likely benign. Last evaluated: 2025-05-01. Review status: criteria provided, single submitter. Criteria: CeGaT Center For Human Genetics Tuebingen Variant Classification Criteria Version 2. Collection method: clinical testing. Allele origin: germline. Affected: yes. Observed: 1 variant allele.
Comment: FANCL: PM2:Supporting, BP4, BP7

NM_018062.4(FANCL):c.374+8284G>C

Gene: FANCL (FA complementation group L; minus strand). Cytogenetic location: 2p16.1.
Variant type: single nucleotide variant.
Coding change: c.374+8284G>C on transcript NM_018062.4 (MANE Select); 8284 bases into the intron after coding-DNA position 374, G replaced by C.
Molecular consequence: intron variant.
Genome position (GRCh38, 1-based): chr2:58,213,658, C>G on the plus strand (G>C on the coding strand, the complement: FANCL is on the minus strand). VCF-style: chr2-58213658-C-G. GRCh37 (hg19) VCF-style: chr2-58440793-C-G.
Other names: c.374+8284G>C (NM_001374615.1, NM_001114636.2, NM_001410792.1).
Identifiers: ClinVar variation 3905583 (VCV003905583.10).